The following is an entry in ClinVar:

ClinVar aggregate classification (germline): Uncertain significance (1 of 4 stars; one submission).

Conditions:
Hereditary breast ovarian cancer syndrome. Also called: Hereditary breast and ovarian cancer syndrome (HBOC); Hereditary breast and/or ovarian cancer syndrome; Hereditary breast and ovarian cancer syndrome; Breast and ovarian cancer; Hereditary breast and ovarian cancer; BRCA1- and BRCA2-Associated Hereditary Breast and Ovarian Cancer. Identifiers: Orphanet 145, MedGen C0677776, MeSH D061325, MONDO:0003582. Disease mechanism: loss of function.

Submission:

Labcorp Genetics (formerly Invitae), Labcorp
Classification: Uncertain significance for Hereditary breast ovarian cancer syndrome. Last evaluated: 2023-09-03. Review status: criteria provided, single submitter. Criteria: Invitae Variant Classification Sherloc (09022015). Collection method: clinical testing. Allele origin: germline.
Comment: This variant is not present in population databases (gnomAD no frequency). In summary, the available evidence is currently insufficient to determine the role of this variant in disease. Therefore, it has been classified as a Variant of Uncertain Significance. Advanced modeling of protein sequence and biophysical properties (such as structural, functional, and spatial information, amino acid conservation, physicochemical variation, residue mobility, and thermodynamic stability) performed at Invitae indicates that this missense variant is not expected to disrupt BRCA1 protein function. This variant has not been reported in the literature in individuals affected with BRCA1-related conditions. This sequence change replaces proline, which is neutral and non-polar, with serine, which is neutral and polar, at codon 1091 of the BRCA1 protein (p.Pro1091Ser).

NM_007294.4(BRCA1):c.3271C>T (p.Pro1091Ser)

Genes: BRCA1 (BRCA1 DNA repair associated; minus strand), LOC126862571 (BRD4-independent group 4 enhancer GRCh37_chr17:41243136-41244335; plus strand). Cytogenetic location: 17q21.31.
Variant type: single nucleotide variant.
Coding change: c.3271C>T on transcript NM_007294.4 (MANE Select); coding-DNA position 3271, C replaced by T.
Protein change: p.Pro1091Ser; replaces proline 1091 with serine.
Molecular consequence: missense variant. On other transcripts: intron variant (137).
Genome position (GRCh38, 1-based): chr17:43,092,260, G>A on the plus strand (C>T on the coding strand, the complement: BRCA1 is on the minus strand). VCF-style: chr17-43092260-G-A. GRCh37 (hg19) VCF-style: chr17-41244277-G-A.
Other names: c.3145C>T, p.Pro1049Ser (NM_001407673.1, NM_001407649.1, NM_001407670.1 and 11 more transcripts); c.3148C>T, p.Pro1050Ser (NM_001407674.1, NM_001407675.1, NM_001407676.1 and 19 more transcripts); c.3271C>T, p.Pro1091Ser (NM_001407684.1, NM_001407581.1, NM_001407582.1 and 30 more transcripts); c.3058C>T, p.Pro1020Ser (NM_001407571.1, NM_001407853.1, NM_001407894.1 and 9 more transcripts); c.3268C>T, p.Pro1090Ser (NM_001407587.1, NM_001407590.1, NM_001407591.1 and 22 more transcripts); c.3262C>T, p.Pro1088Ser (NM_001407646.1, NM_001407647.1); c.3193C>T, p.Pro1065Ser (NM_001407653.1, NM_001407654.1, NM_001407655.1 and 4 more transcripts); c.3190C>T, p.Pro1064Ser (NM_001407659.1, NM_001407660.1, NM_001407661.1 and 1 more transcripts); and 41 more; short protein forms P1023S, P1090S, P1003S, P1021S, P1043S, P1049S, P795S, P923S.
Identifiers: ClinVar variation 2757403 (VCV002757403.3), dbSNP rs2154332637, ClinGen allele CA10595445.